The following is an entry in ClinVar:

NM_001267550.2(TTN):c.45003C>T (p.Asn15001=)

Genes: TTN (titin; minus strand), LOC126806427 (BRD4-independent group 4 enhancer GRCh37_chr2:179485777-179486976; plus strand). Cytogenetic location: 2q31.2.
Variant type: single nucleotide variant.
Coding change: c.45003C>T on transcript NM_001267550.2 (MANE Select); coding-DNA position 45003, C replaced by T.
Protein change: p.Asn15001=; no amino-acid change (asparagine 15001 retained).
Molecular consequence: synonymous variant.
Genome position (GRCh38, 1-based): chr2:178,621,919, G>A on the plus strand (C>T on the coding strand, the complement: TTN is on the minus strand). VCF-style: chr2-178621919-G-A. GRCh37 (hg19) VCF-style: chr2-179486646-G-A.
Other names: c.37299C>T, p.Asn12433= (NM_133378.4); c.40080C>T, p.Asn13360= (NM_001256850.1); c.17808C>T, p.Asn5936= (NM_003319.4); c.18183C>T, p.Asn6061= (NM_133432.3); c.18384C>T, p.Asn6128= (NM_133437.4).
Identifiers: ClinVar variation 179722 (VCV000179722.5), dbSNP rs727505079, ClinGen allele CA184994.

ClinVar aggregate classification (germline): Likely benign (1 of 4 stars; one submission).

Allele frequency attached by ClinVar (database versions not stated): gnomAD exomes 0.00001; ExAC 0.00002.
gnomAD v4.1: 11 of 1,612,050 alleles (0.00068%); highest among the groups gnomAD compares: South Asian, 0.011%; no homozygotes.

Submission:

Laboratory for Molecular Medicine, Mass General Brigham Personalized Medicine
Classification: Likely benign. Last evaluated: 2014-04-03. Review status: criteria provided, single submitter. Criteria: LMM Criteria. Collection method: clinical testing. Allele origin: germline. Observed: 1 variant allele.
Comment: Asn12433Asn in exon 193 of TTN: This variant is not expected to have clinical si gnificance because it does not alter an amino acid residue and is not located wi thin the splice consensus sequence.